The following is an entry in ClinVar:

NM_004218.4(RAB11B):c.592A>G (p.Ile198Val)

Gene: RAB11B (RAB11B, member RAS oncogene family; plus strand). Cytogenetic location: 19p13.2.
Variant type: single nucleotide variant.
Coding change: c.592A>G on transcript NM_004218.4 (MANE Select); coding-DNA position 592, A replaced by G.
Protein change: p.Ile198Val; replaces isoleucine 198 with valine.
Molecular consequence: missense variant.
Genome position (GRCh38, 1-based): chr19:8,403,493, A>G. VCF-style: chr19-8403493-A-G. GRCh37 (hg19) VCF-style: chr19-8468377-A-G.
Other names: short protein forms I198V.
Identifiers: ClinVar variation 3692323 (VCV003692323.2).

ClinVar aggregate classification (germline): Uncertain significance (1 of 4 stars; one submission).

Submission:

Labcorp Genetics (formerly Invitae), Labcorp
Classification: Uncertain significance. Last evaluated: 2024-03-13. Review status: criteria provided, single submitter. Criteria: Invitae Variant Classification Sherloc (09022015). Collection method: clinical testing. Allele origin: germline.
Comment: This sequence change replaces isoleucine, which is neutral and non-polar, with valine, which is neutral and non-polar, at codon 198 of the RAB11B protein (p.Ile198Val). This variant is not present in population databases (gnomAD no frequency). This variant has not been reported in the literature in individuals affected with RAB11B-related conditions. An algorithm developed to predict the effect of missense changes on protein structure and function (PolyPhen-2) suggests that this variant is likely to be tolerated. In summary, the available evidence is currently insufficient to determine the role of this variant in disease. Therefore, it has been classified as a Variant of Uncertain Significance.